The following is an entry in ClinVar:

NM_006017.3(PROM1):c.562A>G (p.Lys188Glu)

Gene: PROM1 (prominin 1; minus strand). Cytogenetic location: 4p15.32.
Variant type: single nucleotide variant.
Coding change: c.562A>G on transcript NM_006017.3 (MANE Select); coding-DNA position 562, A replaced by G.
Protein change: p.Lys188Glu; replaces lysine 188 with glutamic acid.
Molecular consequence: missense variant.
Genome position (GRCh38, 1-based): chr4:16,025,260, T>C on the plus strand (A>G on the coding strand, the complement: PROM1 is on the minus strand). VCF-style: chr4-16025260-T-C. GRCh37 (hg19) VCF-style: chr4-16026883-T-C.
Other names: c.535A>G, p.Lys179Glu (NM_001145847.2, NM_001145848.2, NM_001145851.2 and 4 more transcripts); c.562A>G, p.Lys188Glu (NM_001145849.2, NM_001145850.2); short protein forms K188E, K179E.
Identifiers: ClinVar variation 867002 (VCV000867002.12), dbSNP rs1730955261, ClinGen allele CA356424768.

ClinVar aggregate classification (germline): Conflicting classifications of pathogenicity. Review status: criteria provided, conflicting classifications (1 of 4 stars). 3 submissions from 3 submitters: Uncertain significance (2); Likely benign (1). Last evaluated 2026-07-20.

Conditions:
Inborn genetic diseases. Identifiers: MedGen C0950123, MeSH D030342.

Allele frequency attached by ClinVar (database versions not stated): gnomAD exomes 0.00001.
gnomAD v4.1: 3 of 1,613,992 alleles (0.00019%); highest among the groups gnomAD compares: Non-Finnish European, 0.00025%; no homozygotes.

Submissions (3):

Ambry Genetics
Classification: Likely benign for Inborn genetic diseases. Last evaluated: 2026-07-20. Review status: criteria provided, single submitter. Criteria: Ambry Variant Classification Scheme 2023. Collection method: clinical testing. Allele origin: germline.

Labcorp Genetics (formerly Invitae), Labcorp
Classification: Uncertain significance. Last evaluated: 2022-02-08. Review status: criteria provided, single submitter. Criteria: Invitae Variant Classification Sherloc (09022015). Collection method: clinical testing. Allele origin: germline.
Comment: This variant has not been reported in the literature in individuals affected with PROM1-related conditions. In summary, the available evidence is currently insufficient to determine the role of this variant in disease. Therefore, it has been classified as a Variant of Uncertain Significance. Algorithms developed to predict the effect of missense changes on protein structure and function output the following: SIFT: "Tolerated"; PolyPhen-2: "Benign"; Align-GVGD: "Class C0". The glutamic acid amino acid residue is found in multiple mammalian species, which suggests that this missense change does not adversely affect protein function. ClinVar contains an entry for this variant (Variation ID: 867002). This variant is not present in population databases (gnomAD no frequency). This sequence change replaces lysine, which is basic and polar, with glutamic acid, which is acidic and polar, at codon 188 of the PROM1 protein (p.Lys188Glu).

Blueprint Genetics
Classification: Uncertain significance. Last evaluated: 2018-09-25. Review status: criteria provided, single submitter. Criteria: ACMG Guidelines, 2015. Collection method: clinical testing. Allele origin: germline.